The following is an entry in ClinVar:

NM_001371194.2(SEMA4D):c.678C>T (p.Gly226=)

Gene: SEMA4D (semaphorin 4D; minus strand). Cytogenetic location: 9q22.2.
Variant type: single nucleotide variant.
Coding change: c.678C>T on transcript NM_001371194.2 (MANE Select); coding-DNA position 678, C replaced by T.
Protein change: p.Gly226=; no amino-acid change (glycine 226 retained).
Molecular consequence: synonymous variant. On other transcripts: non-coding transcript variant (6).
Genome position (GRCh38, 1-based): chr9:89,391,360, G>A on the plus strand (C>T on the coding strand, the complement: SEMA4D is on the minus strand). VCF-style: chr9-89391360-G-A. GRCh37 (hg19) VCF-style: chr9-92006275-G-A.
Other names: NC_000009.11:g.92006275G>A; c.678C>T, p.Gly226= (NM_001142287.2, NM_001371195.1, NM_001371196.1 and 7 more transcripts).
Identifiers: ClinVar variation 3059487 (VCV003059487.3), dbSNP rs28377168, ClinGen allele CA5118610.
Genomic context (GRCh38, chr9:89,391,360, plus strand): 5'-GAACACAAACTCATACTCCACAGACACCTCCGTGAAGAAGAAGTAGACCCTGTCATCCTC[G>A]CCGTCGGGGCTGTCTGGGCTTTTTCGGATCACGTCAGCAAACACGAAACTAGGCTCTGCA-3'
Protein context (NP_001358123.1, residues 216-236): VIRKSPDSPD[Gly226=]EDDRVYFFFT

ClinVar aggregate classification (germline): Benign (0 of 4 stars; one submission).

Conditions:
SEMA4D-related disorder. Also called: SEMA4D-related condition.

Allele frequency attached by ClinVar (database versions not stated): gnomAD exomes 0.01890; ExAC 0.05634; ESP Exome Variant Server 0.05943; gnomAD 0.06803; TOPMed 0.08120; 1000 Genomes Project 0.11601; 1000 Genomes Project 30x 0.11618.
gnomAD v4.1: 38,611 of 1,614,138 alleles (2.4%); highest among the groups gnomAD compares: African/African-American, 18%; 2,791 homozygotes.

Submissions (12):

PreventionGenetics, part of Exact Sciences
Classification: Benign for SEMA4D-related condition. Last evaluated: 2019-11-15. Review status: no assertion criteria provided. Collection method: clinical testing. Allele origin: germline.
Comment: This variant is classified as benign based on ACMG/AMP sequence variant interpretation guidelines (Richards et al. 2015 PMID: 25741868, with internal and published modifications).

Dr. Peter K. Rogan Lab, Western University
No classification provided (evidence only). Condition: Lung cancer. Review status: no classification provided. Collection method: in vitro. Allele origin: not applicable. Functional consequence: retained intron. Not counted in ClinVar's aggregate classification.

Dr. Peter K. Rogan Lab, Western University
No classification provided (evidence only). Condition: Lung cancer. Review status: no classification provided. Collection method: in vitro. Allele origin: not applicable. Functional consequence: retained intron. Not counted in ClinVar's aggregate classification.

Dr. Peter K. Rogan Lab, Western University
No classification provided (evidence only). Condition: Melanoma. Review status: no classification provided. Collection method: in vitro. Allele origin: not applicable. Functional consequence: retained intron. Not counted in ClinVar's aggregate classification.

Dr. Peter K. Rogan Lab, Western University
No classification provided (evidence only). Condition: Melanoma. Review status: no classification provided. Collection method: in vitro. Allele origin: not applicable. Functional consequence: retained intron. Not counted in ClinVar's aggregate classification.

Dr. Peter K. Rogan Lab, Western University
No classification provided (evidence only). Condition: Melanoma. Review status: no classification provided. Collection method: in vitro. Allele origin: not applicable. Functional consequence: retained intron. Not counted in ClinVar's aggregate classification.

Dr. Peter K. Rogan Lab, Western University
No classification provided (evidence only). Condition: Colon adenocarcinoma. Review status: no classification provided. Collection method: in vitro. Allele origin: not applicable. Functional consequence: retained intron. Not counted in ClinVar's aggregate classification.

Dr. Peter K. Rogan Lab, Western University
No classification provided (evidence only). Condition: Sarcoma. Review status: no classification provided. Collection method: in vitro. Allele origin: not applicable. Functional consequence: retained intron. Not counted in ClinVar's aggregate classification.

Dr. Peter K. Rogan Lab, Western University
No classification provided (evidence only). Condition: Sarcoma. Review status: no classification provided. Collection method: in vitro. Allele origin: not applicable. Functional consequence: retained intron. Not counted in ClinVar's aggregate classification.

Dr. Peter K. Rogan Lab, Western University
No classification provided (evidence only). Condition: Malignant lymphoma, large B-cell, diffuse. Review status: no classification provided. Collection method: in vitro. Allele origin: not applicable. Functional consequence: retained intron. Not counted in ClinVar's aggregate classification.

Dr. Peter K. Rogan Lab, Western University
No classification provided (evidence only). Condition: Nonpapillary renal cell carcinoma. Review status: no classification provided. Collection method: in vitro. Allele origin: not applicable. Functional consequence: retained intron. Not counted in ClinVar's aggregate classification.

Dr. Peter K. Rogan Lab, Western University
No classification provided (evidence only). Condition: Ovarian serous cystadenocarcinoma. Review status: no classification provided. Collection method: in vitro. Allele origin: not applicable. Functional consequence: retained intron. Not counted in ClinVar's aggregate classification.